The following is an entry in ClinVar:

ClinVar aggregate classification (germline): Benign/Likely benign. Review status: criteria provided, multiple submitters, no conflicts (2 of 4 stars). 4 submissions from 4 submitters: Benign (2); Likely benign (2). Last evaluated 2024-08-31.

Conditions:
Auriculocondylar syndrome 2 (ARCND2A). Also called: AURICULOCONDYLAR SYNDROME 2A. Identifiers: Orphanet 137888, MedGen C3553404, MONDO:0013845, OMIM 614669.

Allele frequency attached by ClinVar (database versions not stated): 1000 Genomes Project 30x 0.00031; TOPMed 0.00036; 1000 Genomes Project 0.00040; ESP Exome Variant Server 0.00054.
gnomAD v4.1: 1,025 of 1,613,514 alleles (0.064%); highest among the groups gnomAD compares: South Asian, 0.13%; 4 homozygotes.

Submissions (4):

Labcorp Genetics (formerly Invitae), Labcorp
Classification: Benign. Last evaluated: 2024-08-31. Review status: criteria provided, single submitter. Criteria: Invitae Variant Classification Sherloc (09022015). Collection method: clinical testing. Allele origin: germline.

Blueprint Genetics
Classification: Likely benign. Last evaluated: 2024-07-02. Review status: criteria provided, single submitter. Criteria: ACMG Guidelines, 2015. Collection method: clinical testing. Allele origin: germline.

Fulgent Genetics
Classification: Likely benign for Auriculocondylar syndrome 2. Last evaluated: 2021-10-14. Review status: criteria provided, single submitter. Criteria: ACMG Guidelines, 2015. Collection method: clinical testing. Allele origin: unknown.

Illumina Laboratory Services, Illumina
Classification: Benign for Auriculocondylar syndrome 2. Last evaluated: 2018-01-13. Review status: criteria provided, single submitter. Criteria: ICSL Variant Classification Criteria 13 December 2019. Collection method: clinical testing. Allele origin: germline.
Comment: This variant was observed in the ICSL laboratory as part of a predisposition screen in an ostensibly healthy population. It had not been previously curated by ICSL or reported in the Human Gene Mutation Database (HGMD: prior to June 1st, 2018), and was therefore a candidate for classification through an automated scoring system. Utilizing variant allele frequency, disease prevalence and penetrance estimates, and inheritance mode, an automated score was calculated to assess if this variant is too frequent to cause the disease. Based on the score and internal cut-off values, a variant classified as benign is not then subjected to further curation. The score for this variant resulted in a classification of benign for this disease.

NM_001377142.1(PLCB4):c.2331G>C (p.Pro777=)

Gene: PLCB4 (phospholipase C beta 4; plus strand). Cytogenetic location: 20p12.2.
Variant type: single nucleotide variant.
Coding change: c.2331G>C on transcript NM_001377142.1 (MANE Select); coding-DNA position 2331, G replaced by C.
Protein change: p.Pro777=; no amino-acid change (proline 777 retained).
Molecular consequence: synonymous variant.
Genome position (GRCh38, 1-based): chr20:9,423,759, G>C. VCF-style: chr20-9423759-G-C. GRCh37 (hg19) VCF-style: chr20-9404406-G-C.
Other names: c.2295G>C, p.Pro765= (NM_000933.4, NM_001377134.2, NM_001377135.1 and 2 more transcripts); c.2331G>C, p.Pro777= (NM_001172646.2, NM_001377143.1).
Identifiers: ClinVar variation 339576 (VCV000339576.11), dbSNP rs147575829, ClinGen allele CA9761370.